The following is an entry in ClinVar:

ClinVar aggregate classification (germline): Uncertain significance (1 of 4 stars; one submission).

Allele frequency attached by ClinVar (database versions not stated): TOPMed below 0.00001.

Submission:

Labcorp Genetics (formerly Invitae), Labcorp
Classification: Uncertain significance. Last evaluated: 2023-07-08. Review status: criteria provided, single submitter. Criteria: Invitae Variant Classification Sherloc (09022015). Collection method: clinical testing. Allele origin: germline.
Comment: In summary, the available evidence is currently insufficient to determine the role of this variant in disease. Therefore, it has been classified as a Variant of Uncertain Significance. An algorithm developed to predict the effect of missense changes on protein structure and function (PolyPhen-2) suggests that this variant is likely to be disruptive. This variant has not been reported in the literature in individuals affected with CTR9-related conditions. This variant is not present in population databases (gnomAD no frequency). This sequence change replaces glycine, which is neutral and non-polar, with glutamic acid, which is acidic and polar, at codon 966 of the CTR9 protein (p.Gly966Glu).

NM_014633.5(CTR9):c.2897G>A (p.Gly966Glu)

Gene: CTR9 (CTR9 component of Paf1/RNA polymerase II complex; plus strand). Cytogenetic location: 11p15.4.
Variant type: single nucleotide variant.
Coding change: c.2897G>A on transcript NM_014633.5 (MANE Select); coding-DNA position 2897, G replaced by A.
Protein change: p.Gly966Glu; replaces glycine 966 with glutamic acid.
Molecular consequence: missense variant.
Genome position (GRCh38, 1-based): chr11:10,775,218, G>A. VCF-style: chr11-10775218-G-A. GRCh37 (hg19) VCF-style: chr11-10796765-G-A.
Other names: c.2825G>A, p.Gly942Glu (NM_001346279.2); short protein forms G942E, G966E.
Identifiers: ClinVar variation 2901401 (VCV002901401.3), dbSNP rs192522878, ClinGen allele CA379677867.